The following is an entry in ClinVar:

ClinVar aggregate classification (germline): Benign. Review status: criteria provided, multiple submitters, no conflicts (2 of 4 stars). 2 submissions from 2 submitters: Benign (2). Last evaluated 2016-10-03.

Allele frequency attached by ClinVar (database versions not stated): ESP Exome Variant Server 0.00015; gnomAD 0.00031 and 0.00086; TOPMed 0.00039; gnomAD exomes 0.00117 and 0.00189; ExAC 0.00225; 1000 Genomes Project 30x 0.00297; 1000 Genomes Project 0.00319.
gnomAD v4.1: 1,862 of 1,610,950 alleles (0.12%); highest among the groups gnomAD compares: South Asian, 1.3%; 28 homozygotes.

Submissions (2):

GeneDx
Classification: Benign. Last evaluated: 2016-10-03. Review status: criteria provided, single submitter. Criteria: GeneDx Variant Classification (06012015). Collection method: clinical testing. Allele origin: germline. Affected: yes.
Comment: This variant is considered likely benign or benign based on one or more of the following criteria: it is a conservative change, it occurs at a poorly conserved position in the protein, it is predicted to be benign by multiple in silico algorithms, and/or has population frequency not consistent with disease.

Breakthrough Genomics
Classification: Benign. Review status: criteria provided, single submitter. Criteria: ACMG Guidelines, 2015. Collection method: not provided. Allele origin: germline. Inheritance: Autosomal recessive inheritance. Affected: yes.

NM_003366.4(UQCRC2):c.-32G>T

Gene: UQCRC2 (ubiquinol-cytochrome c reductase core protein 2). Cytogenetic location: 16p12.2.
Variant type: single nucleotide variant.
Coding change: c.-32G>T on transcript NM_003366.4 (MANE Select); 32 bases upstream of the start codon, G replaced by T.
Molecular consequence: 5 prime UTR variant.
Genome position (GRCh38, 1-based): chr16:21,953,392, G>T. VCF-style: chr16-21953392-G-T. GRCh37 (hg19) VCF-style: chr16-21964713-G-T.
Identifiers: ClinVar variation 385674 (VCV000385674.2), dbSNP rs201397873, ClinGen allele CA7953580.